The following is an entry in ClinVar:

NM_000059.4(BRCA2):c.2851C>G (p.Leu951Val)

Gene: BRCA2 (BRCA2 DNA repair associated; plus strand). Cytogenetic location: 13q13.1.
Variant type: single nucleotide variant.
Coding change: c.2851C>G on transcript NM_000059.4 (MANE Select); coding-DNA position 2851, C replaced by G.
Protein change: p.Leu951Val; replaces leucine 951 with valine.
Molecular consequence: missense variant. On other transcripts: non-coding transcript variant (1), intron variant (2).
Genome position (GRCh38, 1-based): chr13:32,337,206, C>G. VCF-style: chr13-32337206-C-G. GRCh37 (hg19) VCF-style: chr13-32911343-C-G.
Other names: c.2851C>G, p.Leu951Val (NM_001406719.1, NM_001406720.1); c.1909+3819C>G (NM_001406721.1); c.424+6176C>G (NM_001406722.1); short protein forms L951V.
Identifiers: ClinVar variation 2709514 (VCV002709514.3), dbSNP rs2137490559, ClinGen allele CA387773934.

ClinVar aggregate classification (germline): Uncertain significance (1 of 4 stars; one submission).

Conditions:
Hereditary breast ovarian cancer syndrome. Also called: Hereditary breast and ovarian cancer syndrome; Hereditary breast and ovarian cancer syndrome (HBOC); Hereditary breast and/or ovarian cancer syndrome; Hereditary breast and ovarian cancer; Breast and ovarian cancer; BRCA1- and BRCA2-Associated Hereditary Breast and Ovarian Cancer. Identifiers: Orphanet 145, MedGen C0677776, MeSH D061325, MONDO:0003582. Disease mechanism: loss of function.

Submission:

Labcorp Genetics (formerly Invitae), Labcorp
Classification: Uncertain significance for Hereditary breast ovarian cancer syndrome. Last evaluated: 2024-01-16. Review status: criteria provided, single submitter. Criteria: Invitae Variant Classification Sherloc (09022015). Collection method: clinical testing. Allele origin: germline.
Comment: This sequence change replaces leucine, which is neutral and non-polar, with valine, which is neutral and non-polar, at codon 951 of the BRCA2 protein (p.Leu951Val). This variant is not present in population databases (gnomAD no frequency). This variant has not been reported in the literature in individuals affected with BRCA2-related conditions. Advanced modeling of protein sequence and biophysical properties (such as structural, functional, and spatial information, amino acid conservation, physicochemical variation, residue mobility, and thermodynamic stability) performed at Invitae indicates that this missense variant is not expected to disrupt BRCA2 protein function with a negative predictive value of 95%. In summary, the available evidence is currently insufficient to determine the role of this variant in disease. Therefore, it has been classified as a Variant of Uncertain Significance.